The following is an entry in ClinVar:

ClinVar aggregate classification (germline): Uncertain significance (1 of 4 stars; one submission).

Conditions:
Hereditary cancer-predisposing syndrome. Also called: Neoplastic Syndromes, Hereditary; Hereditary Cancer Syndrome; Hereditary neoplastic syndrome; Tumor predisposition. Identifiers: Orphanet 140162, MedGen C0027672, MeSH D009386, MONDO:0015356.

Allele frequency attached by ClinVar (database versions not stated): TOPMed below 0.00001.

Submission:

Ambry Genetics
Classification: Uncertain significance for Hereditary cancer-predisposing syndrome. Last evaluated: 2023-05-09. Review status: criteria provided, single submitter. Criteria: Ambry Variant Classification Scheme 2023. Collection method: clinical testing. Allele origin: germline.
Comment: The p.A1115S variant (also known as c.3343G>T), located in coding exon 12 of the PALB2 gene, results from a G to T substitution at nucleotide position 3343. The alanine at codon 1115 is replaced by serine, an amino acid with similar properties. This amino acid position is well conserved in available vertebrate species. In addition, this alteration is predicted to be tolerated by in silico analysis. Since supporting evidence is limited at this time, the clinical significance of this alteration remains unclear.

NM_024675.4(PALB2):c.3343G>T (p.Ala1115Ser)

Gene: PALB2 (partner and localizer of BRCA2; minus strand). Cytogenetic location: 16p12.2.
Variant type: single nucleotide variant.
Coding change: c.3343G>T on transcript NM_024675.4 (MANE Select); coding-DNA position 3343, G replaced by T.
Protein change: p.Ala1115Ser; replaces alanine 1115 with serine.
Molecular consequence: missense variant. On other transcripts: intron variant (8).
Genome position (GRCh38, 1-based): chr16:23,607,871, C>A on the plus strand (G>T on the coding strand, the complement: PALB2 is on the minus strand). VCF-style: chr16-23607871-C-A. GRCh37 (hg19) VCF-style: chr16-23619192-C-A.
Other names: c.3283G>T, p.Ala1095Ser (NM_001407296.1); c.3271G>T, p.Ala1091Ser (NM_001407297.1); c.3181G>T, p.Ala1061Ser (NM_001407298.1); c.3064G>T, p.Ala1022Ser (NM_001407300.1); c.2458G>T, p.Ala820Ser (NM_001407304.1, NM_001407305.1, NM_001407306.1); c.2296G>T, p.Ala766Ser (NM_001407307.1); c.1555G>T, p.Ala519Ser (NM_001407312.1); c.877G>T, p.Ala293Ser (NM_001407314.1); and 6 more; short protein forms A1022S, A1061S, A1115S, A766S, A1095S, A293S, A519S, A1091S.
Identifiers: ClinVar variation 2562471 (VCV002562471.2), dbSNP rs1567206747, ClinGen allele CA395139256.
Genomic context (GRCh38, chr16:23,607,871, plus strand): 5'-CACAGTGCCTTTCAGAATGTCCCACCCATAGAGTAGCAGTTATGCACACTTGCCTGCCAG[C>A]CTGCCCTGGAGGAAGACAGTACAGCATCACACCCACGCTGAGAGTCGTCTTAGGGTTAAT-3'
Protein context (NP_078951.2, residues 1105-1125): VMLYCLPPGQ[Ala1115Ser]GRFLEGDVKD